The following is an entry in ClinVar:

ClinVar aggregate classification (germline): Uncertain significance. Review status: criteria provided, multiple submitters, no conflicts (2 of 4 stars). 3 submissions from 3 submitters: Uncertain significance (3). Last evaluated 2025-09-04.

Conditions:
Granulomatous disease, chronic, autosomal recessive, cytochrome b-positive, type 3. Also called: CGD, AUTOSOMAL RECESSIVE CYTOCHROME b-POSITIVE, TYPE III; GRANULOMATOUS DISEASE, CHRONIC, AUTOSOMAL RECESSIVE, 3; GRANULOMATOUS DISEASE, CHRONIC, DUE TO NCF4 DEFICIENCY; Granulomatous disease, chronic, autosomal recessive, cytochrome b-positive, type III. Identifiers: Orphanet 379, MedGen C3151409, MONDO:0013507, OMIM 613960.

Allele frequency attached by ClinVar (database versions not stated): gnomAD 0.00001; gnomAD exomes 0.00001.
gnomAD v4.1: 12 of 1,614,090 alleles (0.00074%); highest among the groups gnomAD compares: South Asian, 0.0022%; no homozygotes.

Submissions (3):

Ambry Genetics
Classification: Uncertain significance. Last evaluated: 2025-09-04. Review status: criteria provided, single submitter. Criteria: Ambry Variant Classification Scheme 2023. Collection method: clinical testing. Allele origin: germline.

Department of Pathology and Laboratory Medicine, Sinai Health System
Classification: Uncertain significance for Granulomatous disease, chronic, autosomal recessive, cytochrome b-positive, type 3. Last evaluated: 2023-02-08. Review status: criteria provided, single submitter. Criteria: ACMG Guidelines, 2015. Collection method: research. Allele origin: germline.

Labcorp Genetics (formerly Invitae), Labcorp
Classification: Uncertain significance for Granulomatous disease, chronic, autosomal recessive, cytochrome b-positive, type 3. Last evaluated: 2019-01-26. Review status: criteria provided, single submitter. Criteria: Invitae Variant Classification Sherloc (09022015). Collection method: clinical testing. Allele origin: germline.
Comment: In summary, the available evidence is currently insufficient to determine the role of this variant in disease. Therefore, it has been classified as a Variant of Uncertain Significance. Algorithms developed to predict the effect of missense changes on protein structure and function are either unavailable or do not agree on the potential impact of this missense change (SIFT: "Tolerated"; PolyPhen-2: "Possibly Damaging"; Align-GVGD: "Class C15"). This variant has not been reported in the literature in individuals with NCF4-related conditions. This variant is not present in population databases (ExAC no frequency). This sequence change replaces arginine with cysteine at codon 303 of the NCF4 protein (p.Arg303Cys). The arginine residue is weakly conserved and there is a large physicochemical difference between arginine and cysteine.

NM_000631.5(NCF4):c.759-97C>T

Gene: NCF4 (neutrophil cytosolic factor 4; plus strand). Cytogenetic location: 22q12.3.
Variant type: single nucleotide variant.
Coding change: c.759-97C>T on transcript NM_000631.5 (MANE Select); 97 bases into the intron before coding-DNA position 759, C replaced by T.
Molecular consequence: intron variant. On other transcripts: missense variant (1).
Genome position (GRCh38, 1-based): chr22:36,875,932, C>T. VCF-style: chr22-36875932-C-T. GRCh37 (hg19) VCF-style: chr22-37271974-C-T.
Other names: c.907C>T, p.Arg303Cys (NM_013416.4); short protein forms R303C.
Identifiers: ClinVar variation 848741 (VCV000848741.10), dbSNP rs1940182719, ClinGen allele CA411389873.